The following is an entry in ClinVar:

ClinVar aggregate classification (germline): Conflicting classifications of pathogenicity. Review status: criteria provided, conflicting classifications (1 of 4 stars). 8 submissions from 8 submitters: Uncertain significance (1); Benign (4); Likely benign (2). 1 of the submissions does not count toward it. Last evaluated 2026-01-26.

Conditions:
Alport syndrome. Also called: Hemorrhagic familial nephritis; Hemorrhagic hereditary nephritis; Congenital hereditary hematuria. Identifiers: Orphanet 63, MedGen C1567741, MONDO:0018965.

Allele frequency attached by ClinVar (database versions not stated): 1000 Genomes Project 30x 0.00016; 1000 Genomes Project 0.00020; TOPMed 0.00049; gnomAD 0.00051 and 0.00054; ESP Exome Variant Server 0.00059; ExAC 0.00083; gnomAD exomes 0.00098.
gnomAD v4.1: 791 of 1,611,058 alleles (0.049%); highest among the groups gnomAD compares: Admixed American, 0.01%; 5 homozygotes.

Submissions (8):

Labcorp Genetics (formerly Invitae), Labcorp
Classification: Benign. Last evaluated: 2026-01-26. Review status: criteria provided, single submitter. Criteria: Invitae Variant Classification Sherloc (09022015). Collection method: clinical testing. Allele origin: germline.

Blueprint Genetics
Classification: Likely benign. Last evaluated: 2024-11-26. Review status: criteria provided, single submitter. Criteria: ACMG Guidelines, 2015. Collection method: clinical testing. Allele origin: germline.

Department of Pathology and Laboratory Medicine, Sinai Health System
Classification: Likely benign for Alport syndrome. Last evaluated: 2021-07-30. Review status: criteria provided, single submitter. Criteria: ACMG Guidelines, 2015. Collection method: research. Allele origin: germline.

GeneDx
Classification: Benign. Last evaluated: 2021-05-27. Review status: criteria provided, single submitter. Criteria: GeneDx Variant Classification Process June 2021. Collection method: clinical testing. Allele origin: germline. Affected: yes.

Laboratory for Molecular Medicine, Mass General Brigham Personalized Medicine
Classification: Benign. Last evaluated: 2019-09-13. Review status: criteria provided, single submitter. Criteria: LMM Criteria. Collection method: clinical testing. Allele origin: germline. Observed: 1 variant allele.
Comment: The p.Pro1330Leu variant in COL4A4 is classified as benign because it has been identified in 2% (214/10260) of Ashkenazi Jewish chromosomes by gnomAD. ACMG/AMP Criteria applied: BA1.

Athena Diagnostics
Classification: Benign. Last evaluated: 2018-12-11. Review status: criteria provided, single submitter. Criteria: Athena Diagnostics Criteria. Collection method: clinical testing. Allele origin: germline.

Illumina Laboratory Services, Illumina
Classification: Uncertain significance for Alport syndrome. Last evaluated: 2018-01-12. Review status: criteria provided, single submitter. Criteria: ICSL Variant Classification Criteria 13 December 2019. Collection method: clinical testing. Allele origin: germline.

Natera, Inc.
Classification: Benign for Alport syndrome. Last evaluated: 2019-12-30. Review status: no assertion criteria provided. Collection method: clinical testing. Allele origin: germline. Not counted in ClinVar's aggregate classification.

NM_000092.5(COL4A4):c.3989C>T (p.Pro1330Leu)

Gene: COL4A4 (collagen type IV alpha 4 chain; minus strand). Cytogenetic location: 2q36.3.
Variant type: single nucleotide variant.
Coding change: c.3989C>T on transcript NM_000092.5 (MANE Select); coding-DNA position 3989, C replaced by T.
Protein change: p.Pro1330Leu; replaces proline 1330 with leucine.
Molecular consequence: missense variant.
Genome position (GRCh38, 1-based): chr2:227,027,994, G>A on the plus strand (C>T on the coding strand, the complement: COL4A4 is on the minus strand). VCF-style: chr2-227027994-G-A. GRCh37 (hg19) VCF-style: chr2-227892710-G-A.
Other names: short protein forms P1330L.
Identifiers: ClinVar variation 722479 (VCV000722479.24), dbSNP rs201578201, ClinGen allele CA2144355.